The following is an entry in ClinVar:

NM_018699.4(PRDM5):c.88C>A (p.Arg30=)

Gene: PRDM5 (PR/SET domain 5; minus strand). Cytogenetic location: 4q27.
Variant type: single nucleotide variant.
Coding change: c.88C>A on transcript NM_018699.4 (MANE Select); coding-DNA position 88, C replaced by A.
Protein change: p.Arg30=; no amino-acid change (arginine 30 retained).
Molecular consequence: synonymous variant.
Genome position (GRCh38, 1-based): chr4:120,922,521, G>T on the plus strand (C>A on the coding strand, the complement: PRDM5 is on the minus strand). VCF-style: chr4-120922521-G-T. GRCh37 (hg19) VCF-style: chr4-121843676-G-T.
Other names: c.88C>A (NM_018699.3); c.88C>A, p.Arg30= (NM_001300823.2, NM_001300824.2, NM_001379104.1 and 1 more transcripts).
Identifiers: ClinVar variation 2189135 (VCV002189135.6), dbSNP rs749533466, ClinGen allele CA3061526.

ClinVar aggregate classification (germline): Likely benign. Review status: criteria provided, single submitter (1 of 4 stars). 2 submissions from 2 submitters: Likely benign (1). 1 of the submissions does not count toward it. Last evaluated 2024-02-02.

Conditions:
PRDM5-related disorder. Also called: PRDM5-related condition.

Allele frequency attached by ClinVar (database versions not stated): TOPMed below 0.00001; ExAC 0.00001.
gnomAD v4.1: 7 of 1,602,690 alleles (0.00044%); highest among the groups gnomAD compares: Non-Finnish European, 0.0006%; no homozygotes.

Submissions (2):

Labcorp Genetics (formerly Invitae), Labcorp
Classification: Likely benign. Last evaluated: 2024-02-02. Review status: criteria provided, single submitter. Criteria: Invitae Variant Classification Sherloc (09022015). Collection method: clinical testing. Allele origin: germline.

PreventionGenetics, part of Exact Sciences
Classification: Likely benign for PRDM5-related condition. Last evaluated: 2022-11-14. Review status: no assertion criteria provided. Collection method: clinical testing. Allele origin: germline. Not counted in ClinVar's aggregate classification.
Comment: This variant is classified as likely benign based on ACMG/AMP sequence variant interpretation guidelines (Richards et al. 2015 PMID: 25741868, with internal and published modifications).